The following is an entry in ClinVar:

NM_198253.3(TERT):c.297C>A (p.Phe99Leu)

Gene: TERT (telomerase reverse transcriptase; minus strand). Cytogenetic location: 5p15.33.
Variant type: single nucleotide variant.
Coding change: c.297C>A on transcript NM_198253.3 (MANE Select); coding-DNA position 297, C replaced by A.
Protein change: p.Phe99Leu; replaces phenylalanine 99 with leucine.
Molecular consequence: missense variant. On other transcripts: non-coding transcript variant (2).
Genome position (GRCh38, 1-based): chr5:1,294,589, G>T on the plus strand (C>A on the coding strand, the complement: TERT is on the minus strand). VCF-style: chr5-1294589-G-T. GRCh37 (hg19) VCF-style: chr5-1294704-G-T.
Other names: p.Phe99Leu; c.297C>A, p.Phe99Leu (NM_001193376.3, NM_003219.1); short protein forms F99L.
Identifiers: ClinVar variation 2682880 (VCV002682880.1), dbSNP rs746607875, ClinGen allele CA359058455.

ClinVar aggregate classification (germline): Uncertain significance (1 of 4 stars; one submission).

Submission:

Mayo Clinic Laboratories, Mayo Clinic
Classification: Uncertain significance. Last evaluated: 2022-12-27. Review status: criteria provided, single submitter. Criteria: ACMG Guidelines, 2015. Collection method: clinical testing. Allele origin: germline. Observed: 1 variant allele.
Comment: PM2_supporting